The following is an entry in ClinVar:

ClinVar aggregate classification (germline): Pathogenic (1 of 4 stars; one submission).

Conditions:
Hereditary cancer-predisposing syndrome. Also called: Tumor predisposition; Neoplastic Syndromes, Hereditary; Hereditary Cancer Syndrome; Hereditary neoplastic syndrome. Identifiers: Orphanet 140162, MedGen C0027672, MeSH D009386, MONDO:0015356.

Submission:

Ambry Genetics
Classification: Pathogenic for Hereditary cancer-predisposing syndrome. Last evaluated: 2022-03-21. Review status: criteria provided, single submitter. Criteria: Ambry Variant Classification Scheme 2023. Collection method: clinical testing. Allele origin: germline.
Comment: The c.3079dupG pathogenic mutation, located in coding exon 4 of the MSH6 gene, results from a duplication of G at nucleotide position 3079, causing a translational frameshift with a predicted alternate stop codon (p.V1027Gfs*13). This alteration is expected to result in loss of function by premature protein truncation or nonsense-mediated mRNA decay. As such, this alteration is interpreted as a disease-causing mutation.

NM_000179.3(MSH6):c.3079dup (p.Val1027fs)

Gene: MSH6 (mutS homolog 6; plus strand). Cytogenetic location: 2p16.3.
Variant type: Duplication.
Coding change: c.3079dup on transcript NM_000179.3 (MANE Select); coding-DNA position 3079, one base duplicated (G; older notation c.3079dupG).
Protein change: p.Val1027fs; shifts the reading frame from valine 1027.
Molecular consequence: frameshift variant.
Genome position (GRCh38, 1-based): chr2:47,801,062, G duplicated. VCF-style (leftmost placement, unchanged base first): chr2-47801061-T-TG. GRCh37 (hg19) VCF-style: chr2-48028200-T-TG.
Other names: c.2689dup, p.Val897fs (NM_001281492.2); c.2173dup, p.Val725fs (NM_001281493.2, NM_001281494.2); c.3175dup, p.Val1059Glyfs (NM_001406795.1, NM_001406802.1); c.3079dup, p.Val1027Glyfs (NM_001406796.1, NM_001406798.1, NM_001406800.1 and 2 more transcripts); c.2782dup, p.Val928Glyfs (NM_001406797.1, NM_001406801.1, NM_001406805.1 and 10 more transcripts); c.2554dup, p.Val852Glyfs (NM_001406799.1, NM_001406806.1, NM_001406807.1); c.3001dup, p.Val1001Glyfs (NM_001406804.1); c.2173dup, p.Val725Glyfs (NM_001406811.1, NM_001406812.1, NM_001406814.1 and 4 more transcripts); and 4 more; short protein forms V1027fs, V897fs, V725fs.
Identifiers: ClinVar variation 1727337 (VCV001727337.2), dbSNP rs2530712261, ClinGen allele CA2580068128.